The following is an entry in ClinVar:

ClinVar aggregate classification (germline): Uncertain significance (1 of 4 stars; one submission).

Allele frequency attached by ClinVar (database versions not stated): TOPMed below 0.00001; gnomAD exomes 0.00001.
gnomAD v4.1: 17 of 1,613,878 alleles (0.0011%); highest among the groups gnomAD compares: Non-Finnish European, 0.0014%; no homozygotes.

Submission:

Labcorp Genetics (formerly Invitae), Labcorp
Classification: Uncertain significance. Last evaluated: 2022-05-05. Review status: criteria provided, single submitter. Criteria: Invitae Variant Classification Sherloc (09022015). Collection method: clinical testing. Allele origin: germline.
Comment: This sequence change replaces leucine, which is neutral and non-polar, with isoleucine, which is neutral and non-polar, at codon 125 of the RETREG1 protein (p.Leu125Ile). This variant is not present in population databases (gnomAD no frequency). This variant has not been reported in the literature in individuals affected with RETREG1-related conditions. ClinVar contains an entry for this variant (Variation ID: 954968). Algorithms developed to predict the effect of missense changes on protein structure and function are either unavailable or do not agree on the potential impact of this missense change (SIFT: "Tolerated"; PolyPhen-2: "Probably Damaging"; Align-GVGD: "Class C0"). In summary, the available evidence is currently insufficient to determine the role of this variant in disease. Therefore, it has been classified as a Variant of Uncertain Significance.

NM_001034850.3(RETREG1):c.373C>A (p.Leu125Ile)

Gene: RETREG1 (reticulophagy regulator 1; minus strand). Cytogenetic location: 5p15.1.
Variant type: single nucleotide variant.
Coding change: c.373C>A on transcript NM_001034850.3 (MANE Select); coding-DNA position 373, C replaced by A.
Protein change: p.Leu125Ile; replaces leucine 125 with isoleucine.
Molecular consequence: missense variant.
Genome position (GRCh38, 1-based): chr5:16,572,050, G>T on the plus strand (C>A on the coding strand, the complement: RETREG1 is on the minus strand). VCF-style: chr5-16572050-G-T. GRCh37 (hg19) VCF-style: chr5-16572159-G-T.
Other names: short protein forms L125I.
Identifiers: ClinVar variation 954968 (VCV000954968.7), dbSNP rs547425698, ClinGen allele CA359292432.
Genomic context (GRCh38, chr5:16,572,050, plus strand): 5'-TCTTACCTCTTGTTCTAGACAAAACCATATCCTTTATTATTTGCATAATAACACGCCCAA[G>T]TATCATGACGGAAATCAGGTGATATACTCTCCATGGAGTCAATGCAAGGAACCTGCAACA-3'
Protein context (NP_001030022.1, residues 115-135): RVYHLISVMI[Leu125Ile]GRVIMQIIKD